The following is an entry in ClinVar:

ClinVar aggregate classification (germline): Uncertain significance (1 of 4 stars; one submission).

Conditions:
Hereditary cancer-predisposing syndrome. Also called: Tumor predisposition; Hereditary Cancer Syndrome; Hereditary neoplastic syndrome; Neoplastic Syndromes, Hereditary. Identifiers: Orphanet 140162, MedGen C0027672, MeSH D009386, MONDO:0015356.

Submission:

Ambry Genetics
Classification: Uncertain significance for Hereditary cancer-predisposing syndrome. Last evaluated: 2024-06-13. Review status: criteria provided, single submitter. Criteria: Ambry Variant Classification Scheme 2023. Collection method: clinical testing. Allele origin: germline.
Comment: The p.E1265V variant (also known as c.3794A>T), located in coding exon 15 of the APC gene, results from an A to T substitution at nucleotide position 3794. The glutamic acid at codon 1265 is replaced by valine, an amino acid with dissimilar properties. This amino acid position is conserved. In addition, in silico predictors for this gene do not accurately predict pathogenicity. Based on the available evidence, the clinical significance of this variant remains unclear.

NM_000038.6(APC):c.3794A>T (p.Glu1265Val)

Gene: APC (APC regulator of Wnt signaling pathway; plus strand). Cytogenetic location: 5q22.2.
Variant type: single nucleotide variant.
Coding change: c.3794A>T on transcript NM_000038.6 (MANE Select); coding-DNA position 3794, A replaced by T.
Protein change: p.Glu1265Val; replaces glutamic acid 1265 with valine.
Molecular consequence: missense variant. On other transcripts: non-coding transcript variant (2).
Genome position (GRCh38, 1-based): chr5:112,839,388, A>T. VCF-style: chr5-112839388-A-T. GRCh37 (hg19) VCF-style: chr5-112175085-A-T.
Other names: c.3794A>T, p.Glu1265Val (NM_001127510.3, NM_001354895.2, NM_001407450.1); c.3740A>T, p.Glu1247Val (NM_001127511.3); c.3848A>T, p.Glu1283Val (NM_001354896.2, NM_001407447.1, NM_001407448.1 and 1 more transcripts); c.3824A>T, p.Glu1275Val (NM_001354897.2); c.3719A>T, p.Glu1240Val (NM_001354898.2); c.3710A>T, p.Glu1237Val (NM_001354899.2); c.3671A>T, p.Glu1224Val (NM_001354900.2); c.3617A>T, p.Glu1206Val (NM_001354901.2, NM_001407453.1); and 11 more; short protein forms E1105V, E1139V, E1247V, E1255V, E1293V, E1237V, E1240V, E1258V.
Identifiers: ClinVar variation 3305850 (VCV003305850.1).